The following is an entry in ClinVar:

NM_182643.3(DLC1):c.2578C>G (p.Pro860Ala)

Gene: DLC1 (DLC1 Rho GTPase activating protein; minus strand). Cytogenetic location: 8p22.
Variant type: single nucleotide variant.
Coding change: c.2578C>G on transcript NM_182643.3 (MANE Select); coding-DNA position 2578, C replaced by G.
Protein change: p.Pro860Ala; replaces proline 860 with alanine.
Molecular consequence: missense variant.
Genome position (GRCh38, 1-based): chr8:13,099,759, G>C on the plus strand (C>G on the coding strand, the complement: DLC1 is on the minus strand). VCF-style: chr8-13099759-G-C. GRCh37 (hg19) VCF-style: chr8-12957268-G-C.
Other names: c.1045C>G, p.Pro349Ala (NM_001164271.2, NM_001348082.2, NM_001348083.1 and 6 more transcripts); c.1369C>G, p.Pro457Ala (NM_001316668.2, NM_001413129.1); c.2578C>G, p.Pro860Ala (NM_001348081.2, NM_001413124.1); c.1360C>G, p.Pro454Ala (NM_001413130.1); c.1018C>G, p.Pro340Ala (NM_001413131.1, NM_001413137.1); c.1504C>G, p.Pro502Ala (NM_001413132.1); c.1267C>G, p.Pro423Ala (NM_001413135.1, NM_001413136.1, NM_001413139.1 and 1 more transcripts); c.1402C>G, p.Pro468Ala (NM_001413140.1); short protein forms P423A, P454A, P349A, P468A, P502A, P860A, P457A, P340A.
Identifiers: ClinVar variation 4779867 (VCV004779867.1).

ClinVar aggregate classification (germline): Uncertain significance (1 of 4 stars; one submission).

gnomAD v4.1: 12 of 1,614,182 alleles (0.00074%); highest among the groups gnomAD compares: Non-Finnish European, 0.001%; no homozygotes.

Submission:

Labcorp Genetics (formerly Invitae), Labcorp
Classification: Uncertain significance. Last evaluated: 2025-08-01. Review status: criteria provided, single submitter. Criteria: Invitae Variant Classification Sherloc (09022015). Collection method: clinical testing. Allele origin: germline.
Comment: This sequence change replaces proline, which is neutral and non-polar, with alanine, which is neutral and non-polar, at codon 860 of the DLC1 protein (p.Pro860Ala). This variant is present in population databases (rs756941799, gnomAD 0.004%). This variant has not been reported in the literature in individuals affected with DLC1-related conditions. An algorithm developed to predict the effect of missense changes on protein structure and function outputs the following: PolyPhen-2: "Benign". The alanine amino acid residue is found in multiple mammalian species, which suggests that this missense change does not adversely affect protein function. In summary, the available evidence is currently insufficient to determine the role of this variant in disease. Therefore, it has been classified as a Variant of Uncertain Significance.